The following is an entry in ClinVar:

ClinVar aggregate classification (germline): Likely pathogenic (1 of 4 stars; one submission).

Submission:

GeneDx
Classification: Likely pathogenic. Last evaluated: 2017-04-25. Review status: criteria provided, single submitter. Criteria: GeneDx Variant Classification (06012015). Collection method: clinical testing. Allele origin: germline. Affected: yes.
Comment: The c.1645+5 G>C splice site variant in the PHEX gene is predicted to destroy the canonical splice donor site in intron 15 leading to abnormal splicing that produces an abnormal message that is subject to nonsense-mediated mRNA decay, or to an abnormal protein product if the message is used for protein translation. Another nucleotide substitution at this position, c.1645+5G>A, has also been reported in the Human Gene Mutation Database as a splice site variant in association with X linked hypophosphatemic rickets (Stenson et al., 2014). The c.1645+5 G>C variant is not observed in large population cohorts (Lek et al., 2016; 1000 Genomes Consortium et al., 2015; Exome Variant Server). In summary, this variant is likely pathogenic; however, the possibility that it is benign cannot be excluded.

NM_000444.6(PHEX):c.1645+5G>C

Gene: PHEX (phosphate regulating endopeptidase homolog X-linked; plus strand). Cytogenetic location: Xp22.11.
Variant type: single nucleotide variant.
Coding change: c.1645+5G>C on transcript NM_000444.6 (MANE Select); 5 bases into the intron after coding-DNA position 1645, G replaced by C.
Molecular consequence: intron variant.
Genome position (GRCh38, 1-based): chrX:22,190,507, G>C. VCF-style: chrX-22190507-G-C. GRCh37 (hg19) VCF-style: chrX-22208624-G-C.
Other names: c.1645+5G>C (NM_001282754.2).
Identifiers: ClinVar variation 426246 (VCV000426246.2), dbSNP rs1085307522, ClinGen allele CA645293924.